The following is an entry in ClinVar:

NM_002294.3(LAMP2):c.1041del (p.Phe348fs)

Gene: LAMP2 (lysosome associated membrane protein 2; minus strand). Cytogenetic location: Xq24.
Variant type: Deletion.
Coding change: c.1041del on transcript NM_002294.3 (MANE Select); coding-DNA position 1041, one base deleted (C; older notation c.1041delC).
Protein change: p.Phe348fs; shifts the reading frame from phenylalanine 348.
Molecular consequence: frameshift variant.
Genome position (GRCh38, 1-based): chrX:120,441,782, G deleted on the plus strand (C on the coding strand, the reverse complement: LAMP2 is on the minus strand); the first of 2 consecutive G bases (chrX:120,441,782-120,441,783); deleting either gives the same sequence. VCF-style (leftmost placement, unchanged base first): chrX-120441781-AG-A. GRCh37 (hg19) VCF-style: chrX-119575636-AG-A.
Other names: c.1041del, p.Phe348fs (NM_001122606.1, NM_013995.2); short protein forms F348fs.
Identifiers: ClinVar variation 1451509 (VCV001451509.8), dbSNP rs2147278864, ClinGen allele CA2573159184.

ClinVar aggregate classification (germline): Pathogenic (1 of 4 stars; one submission).

Conditions:
Danon disease. Also called: PSEUDOGLYCOGENOSIS II; GSD IIb; LYSOSOMAL GLYCOGEN STORAGE DISEASE WITHOUT ACID MALTASE DEFICIENCY; ANTOPOL DISEASE; Glycogen Storage Disease Type IIb. Identifiers: Orphanet 34587, MedGen C0878677, MONDO:0010281, OMIM 300257.

Submission:

Labcorp Genetics (formerly Invitae), Labcorp
Classification: Pathogenic for Danon disease. Last evaluated: 2022-03-19. Review status: criteria provided, single submitter. Criteria: Invitae Variant Classification Sherloc (09022015). Collection method: clinical testing. Allele origin: germline.
Comment: For these reasons, this variant has been classified as Pathogenic. This variant disrupts a region of the LAMP2 protein in which other variant(s) (p.Gln353*) have been determined to be pathogenic (PMID: 27816333; Invitae). This suggests that this is a clinically significant region of the protein, and that variants that disrupt it are likely to be disease-causing. This variant has not been reported in the literature in individuals affected with LAMP2-related conditions. This variant is not present in population databases (gnomAD no frequency). This sequence change creates a premature translational stop signal (p.Phe348Leufs*3) in the LAMP2 gene. While this is not anticipated to result in nonsense mediated decay, it is expected to disrupt the last 63 amino acid(s) of the LAMP2 protein.

Literature cited by the submitters: PubMed 27816333.